The following is an entry in ClinVar:

ClinVar aggregate classification (germline): Likely pathogenic (1 of 4 stars; one submission).

Conditions:
Charcot-Marie-Tooth disease axonal type 2T. Identifiers: Orphanet 443950, MedGen C4015635, OMIM 617017, MONDO:0014866.

Submission:

Kariminejad - Najmabadi Pathology & Genetics Center
Classification: Likely pathogenic for Charcot-Marie-Tooth disease axonal type 2T. Last evaluated: 2023-08-08. Review status: criteria provided, single submitter. Criteria: ACMG Guidelines, 2015. Collection method: clinical testing. Allele origin: germline. Inheritance: Autosomal dominant inheritance. Affected: yes.
Comment: PVS1(VS),PM2(M)

NM_007289.4(MME):c.1818dup (p.Trp607fs)

Gene: MME (membrane metalloendopeptidase; plus strand). Cytogenetic location: 3q25.2.
Variant type: Duplication.
Coding change: c.1818dup on transcript NM_007289.4 (MANE Select); coding-DNA position 1818, one base duplicated (G; older notation c.1818dupG).
Protein change: p.Trp607fs; shifts the reading frame from tryptophan 607.
Molecular consequence: frameshift variant.
Genome position (GRCh38, 1-based): chr3:155,168,529, G duplicated; the last of 2 consecutive G bases (chr3:155,168,528-155,168,529); duplicating either gives the same sequence. VCF-style (leftmost placement, unchanged base first): chr3-155168527-T-TG. GRCh37 (hg19) VCF-style: chr3-154886316-T-TG.
Other names: c.1818dup, p.Trp607fs (NM_000902.5, NM_001354642.2, NM_001354643.1 and 2 more transcripts); short protein forms W607fs.
Identifiers: ClinVar variation 3896914 (VCV003896914.1).